The following is an entry in ClinVar:

NM_022051.3(EGLN1):c.1225G>C (p.Gly409Arg)

Gene: EGLN1 (egl-9 family hypoxia inducible factor 1; minus strand). Cytogenetic location: 1q42.2.
Variant type: single nucleotide variant.
Coding change: c.1225G>C on transcript NM_022051.3 (MANE Select); coding-DNA position 1225, G replaced by C.
Protein change: p.Gly409Arg; replaces glycine 409 with arginine.
Molecular consequence: missense variant. On other transcripts: 3 prime UTR variant (2).
Genome position (GRCh38, 1-based): chr1:231,366,467, C>G on the plus strand (G>C on the coding strand, the complement: EGLN1 is on the minus strand). VCF-style: chr1-231366467-C-G. GRCh37 (hg19) VCF-style: chr1-231502213-C-G.
Other names: c.*5G>C (NM_001377260.1); c.*50G>C (NM_001377261.1); short protein forms G409R.
Identifiers: ClinVar variation 3274794 (VCV003274794.1).

ClinVar aggregate classification (germline): Uncertain significance (1 of 4 stars; one submission).

Submission:

Ambry Genetics
Classification: Uncertain significance. Last evaluated: 2024-05-20. Review status: criteria provided, single submitter. Criteria: Ambry Variant Classification Scheme 2023. Collection method: clinical testing. Allele origin: germline.
Comment: The p.G409R variant (also known as c.1225G>C), located in coding exon 5 of the EGLN1 gene, results from a G to C substitution at nucleotide position 1225. The glycine at codon 409 is replaced by arginine, an amino acid with dissimilar properties. This amino acid position is conserved. In addition, this alteration is predicted to be deleterious by in silico analysis. Based on the available evidence, the clinical significance of this variant remains unclear.